The following is an entry in ClinVar:

ClinVar aggregate classification (germline): Likely benign (1 of 4 stars; one submission).

Allele frequency attached by ClinVar (database versions not stated): gnomAD exomes below 0.00001; TOPMed 0.00001.
gnomAD v4.1: 1 of 1,614,000 alleles (0.000062%); highest among the groups gnomAD compares: South Asian, 0.0011%; no homozygotes.

Submission:

Women's Health and Genetics/Laboratory Corporation of America, LabCorp
Classification: Likely benign. Last evaluated: 2023-11-21. Review status: criteria provided, single submitter. Criteria: LabCorp Variant Classification Summary - May 2015. Collection method: clinical testing. Allele origin: germline.
Comment: Variant summary: NTRK2 c.1937+10G>A alters a non-conserved nucleotide located at a position not widely known to affect splicing. Consensus agreement among computation tools predict no significant impact on normal splicing. However, these predictions have yet to be confirmed by functional studies. The variant was absent in 250574 control chromosomes. The available data on variant occurrences in the general population are insufficient to allow any conclusion about variant significance. To our knowledge, no occurrence of c.1937+10G>A in individuals affected with Developmental And Epileptic Encephalopathy, 58 and no experimental evidence demonstrating its impact on protein function have been reported. No submitters have cited clinical-significance assessments for this variant to ClinVar after 2014. Based on the evidence outlined above, the variant was classified as likely benign.

NM_006180.6(NTRK2):c.1937+10G>A

Gene: NTRK2 (neurotrophic receptor tyrosine kinase 2; plus strand). Cytogenetic location: 9q21.33.
Variant type: single nucleotide variant.
Coding change: c.1937+10G>A on transcript NM_006180.6 (MANE Select); 10 bases into the intron after coding-DNA position 1937, G replaced by A.
Molecular consequence: intron variant.
Genome position (GRCh38, 1-based): chr9:84,948,644, G>A. VCF-style: chr9-84948644-G-A. GRCh37 (hg19) VCF-style: chr9-87563559-G-A.
Other names: c.1889+10G>A (NM_001369532.1, NM_001369533.1, NM_001018064.3); c.1853+10G>A (NM_001369534.1); c.1469+10G>A (NM_001369536.1); c.1421+10G>A (NM_001369535.1).
Identifiers: ClinVar variation 2682225 (VCV002682225.1), dbSNP rs1048992962, ClinGen allele CA195814403.